The following is an entry in ClinVar:

ClinVar aggregate classification (germline): Conflicting classifications of pathogenicity. Review status: criteria provided, conflicting classifications (1 of 4 stars). 4 submissions from 4 submitters: Uncertain significance (1); Benign (1); Likely benign (2). Last evaluated 2026-02-01.

Conditions:
Inborn genetic diseases. Identifiers: MedGen C0950123, MeSH D030342.

Allele frequency attached by ClinVar (database versions not stated): gnomAD exomes 0.00069; ExAC 0.00086; 1000 Genomes Project 0.00220; 1000 Genomes Project 30x 0.00250; ESP Exome Variant Server 0.00276; TOPMed 0.00311; gnomAD 0.00318.
gnomAD v4.1: 843 of 1,613,682 alleles (0.052%); highest among the groups gnomAD compares: African/African-American, 1%; 12 homozygotes.

Submissions (4):

Labcorp Genetics (formerly Invitae), Labcorp
Classification: Benign. Last evaluated: 2026-02-01. Review status: criteria provided, single submitter. Criteria: Invitae Variant Classification Sherloc (09022015). Collection method: clinical testing. Allele origin: germline.

Ambry Genetics
Classification: Uncertain significance for Inborn genetic diseases. Last evaluated: 2025-08-12. Review status: criteria provided, single submitter. Criteria: Ambry Variant Classification Scheme 2023. Collection method: clinical testing. Allele origin: germline.

CeGaT Center for Human Genetics Tuebingen
Classification: Likely benign. Last evaluated: 2025-08-01. Review status: criteria provided, single submitter. Criteria: CeGaT Center For Human Genetics Tuebingen Variant Classification Criteria Version 2. Collection method: clinical testing. Allele origin: germline. Affected: yes. Observed: 1 variant allele.
Comment: GP6: BP4, BS1

Mayo Clinic Laboratories, Mayo Clinic
Classification: Likely benign. Last evaluated: 2023-10-11. Review status: criteria provided, single submitter. Criteria: ACMG Guidelines, 2015. Collection method: clinical testing. Allele origin: germline. Observed: 2 variant alleles.
Comment: BS2, BP4

NM_016363.5(GP6):c.969G>C (p.Gly323=)

Gene: GP6 (glycoprotein VI platelet; minus strand). Cytogenetic location: 19q13.42.
Variant type: single nucleotide variant.
Coding change: c.969G>C on transcript NM_016363.5 (MANE Select); coding-DNA position 969, G replaced by C.
Protein change: p.Gly323=; no amino-acid change (glycine 323 retained).
Molecular consequence: synonymous variant. On other transcripts: missense variant (1).
Genome position (GRCh38, 1-based): chr19:55,014,972, C>G on the plus strand (G>C on the coding strand, the complement: GP6 is on the minus strand). VCF-style: chr19-55014972-C-G. GRCh37 (hg19) VCF-style: chr19-55526340-C-G.
Other names: p.Gly325Arg; c.973G>C, p.Gly325Arg (NM_001083899.2); c.915G>C, p.Gly305= (NM_001256017.2); c.973G>C (NM_001083899.1); short protein forms G325R.
Identifiers: ClinVar variation 720602 (VCV000720602.18), dbSNP rs200948100, ClinGen allele CA310121718.